The following is an entry in ClinVar:

NM_152296.5(ATP1A3):c.1004C>T (p.Thr335Met)

Gene: ATP1A3 (ATPase Na+/K+ transporting subunit alpha 3; minus strand). Cytogenetic location: 19q13.2.
Variant type: single nucleotide variant.
Coding change: c.1004C>T on transcript NM_152296.5 (MANE Select); coding-DNA position 1004, C replaced by T.
Protein change: p.Thr335Met; replaces threonine 335 with methionine.
Molecular consequence: missense variant.
Genome position (GRCh38, 1-based): chr19:41,982,096, G>A on the plus strand (C>T on the coding strand, the complement: ATP1A3 is on the minus strand). VCF-style: chr19-41982096-G-A. GRCh37 (hg19) VCF-style: chr19-42486248-G-A.
Other names: c.1037C>T, p.Thr346Met (NM_001256213.2); c.1043C>T, p.Thr348Met (NM_001256214.2); short protein forms T335M, T346M, T348M.
Identifiers: ClinVar variation 430392 (VCV000430392.5), dbSNP rs1131691940, ClinGen allele CA406051727.

ClinVar aggregate classification (germline): Uncertain significance. Review status: criteria provided, multiple submitters, no conflicts (2 of 4 stars). 2 submissions from 2 submitters: Uncertain significance (2). Last evaluated 2025-03-06.

Conditions:
Dystonia 12 (DYT12). Also called: DYT-ATP1A3; Rapid-Onset Dystonia-Parkinsonism (RDP). Identifiers: Orphanet 71517, MedGen C1868681, MONDO:0007496, OMIM 128235.

Allele frequency attached by ClinVar (database versions not stated): gnomAD exomes below 0.00001 and 0.00001.
gnomAD v4.1: 2 of 1,614,138 alleles (0.00012%); highest among the groups gnomAD compares: Admixed American, 0.0017%; no homozygotes.

Submissions (2):

GeneDx
Classification: Uncertain significance. Last evaluated: 2025-03-06. Review status: criteria provided, single submitter. Criteria: GeneDx Variant Classification Process June 2021. Collection method: clinical testing. Allele origin: germline. Affected: yes.
Comment: Not observed at significant frequency in large population cohorts (gnomAD); In silico analysis supports that this missense variant has a deleterious effect on protein structure/function; Has not been previously published as pathogenic or benign to our knowledge

Labcorp Genetics (formerly Invitae), Labcorp
Classification: Uncertain significance for Dystonia 12. Last evaluated: 2025-03-05. Review status: criteria provided, single submitter. Criteria: Invitae Variant Classification Sherloc (09022015). Collection method: clinical testing. Allele origin: germline.
Comment: This sequence change replaces threonine, which is neutral and polar, with methionine, which is neutral and non-polar, at codon 335 of the ATP1A3 protein (p.Thr335Met). This variant is present in population databases (no rsID available, gnomAD 0.003%). This variant has not been reported in the literature in individuals affected with ATP1A3-related conditions. ClinVar contains an entry for this variant (Variation ID: 430392). Invitae Evidence Modeling of protein sequence and biophysical properties (such as structural, functional, and spatial information, amino acid conservation, physicochemical variation, residue mobility, and thermodynamic stability) indicates that this missense variant is expected to disrupt ATP1A3 protein function with a positive predictive value of 95%. In summary, the available evidence is currently insufficient to determine the role of this variant in disease. Therefore, it has been classified as a Variant of Uncertain Significance.